The following is an entry in ClinVar:

ClinVar aggregate classification (germline): Uncertain significance (1 of 4 stars; one submission).

Conditions:
Inborn genetic diseases. Identifiers: MedGen C0950123, MeSH D030342.

Allele frequency attached by ClinVar (database versions not stated): ExAC 0.00001; gnomAD 0.00001; TOPMed 0.00002.
gnomAD v4.1: 2 of 1,613,542 alleles (0.00012%); highest among the groups gnomAD compares: African/African-American, 0.0027%; no homozygotes.

Submission:

Ambry Genetics
Classification: Uncertain significance for Inborn genetic diseases. Last evaluated: 2023-03-03. Review status: criteria provided, single submitter. Criteria: Ambry Variant Classification Scheme 2023. Collection method: clinical testing. Allele origin: germline.
Comment: The p.P284S variant (also known as c.850C>T), located in coding exon 2 of the SMAD6 gene, results from a C to T substitution at nucleotide position 850. The proline at codon 284 is replaced by serine, an amino acid with similar properties. This amino acid position is conserved. In addition, this alteration is predicted to be deleterious by in silico analysis. Since supporting evidence is limited at this time, the clinical significance of this alteration remains unclear.

NM_005585.5(SMAD6):c.850C>T (p.Pro284Ser)

Gene: SMAD6 (SMAD family member 6; plus strand). Cytogenetic location: 15q22.31.
Variant type: single nucleotide variant.
Coding change: c.850C>T on transcript NM_005585.5 (MANE Select); coding-DNA position 850, C replaced by T.
Protein change: p.Pro284Ser; replaces proline 284 with serine.
Molecular consequence: missense variant. On other transcripts: non-coding transcript variant (1).
Genome position (GRCh38, 1-based): chr15:66,711,700, C>T. VCF-style: chr15-66711700-C-T. GRCh37 (hg19) VCF-style: chr15-67004038-C-T.
Other names: short protein forms P284S.
Identifiers: ClinVar variation 2453910 (VCV002453910.2), dbSNP rs768122282, ClinGen allele CA7626589.